The following is an entry in ClinVar:

NM_000264.5(PTCH1):c.3754C>T (p.His1252Tyr)

Gene: PTCH1 (patched 1; minus strand). Cytogenetic location: 9q22.32.
Variant type: single nucleotide variant.
Coding change: c.3754C>T on transcript NM_000264.5 (MANE Select); coding-DNA position 3754, C replaced by T.
Protein change: p.His1252Tyr; replaces histidine 1252 with tyrosine.
Molecular consequence: missense variant. On other transcripts: non-coding transcript variant (1).
Genome position (GRCh38, 1-based): chr9:95,449,119, G>A on the plus strand (C>T on the coding strand, the complement: PTCH1 is on the minus strand). VCF-style: chr9-95449119-G-A. GRCh37 (hg19) VCF-style: chr9-98211401-G-A.
Other names: c.3556C>T, p.His1186Tyr (NM_001083602.3); c.3751C>T, p.His1251Tyr (NM_001083603.3); c.3301C>T, p.His1101Tyr (NM_001083604.3, NM_001083605.3, NM_001083606.3 and 1 more transcripts); c.3598C>T, p.His1200Tyr (NM_001354918.2); short protein forms H1186Y, H1200Y, H1252Y, H1101Y, H1251Y.
Identifiers: ClinVar variation 1734591 (VCV001734591.13), dbSNP rs780990429, ClinGen allele CA374111006.

ClinVar aggregate classification (germline): Conflicting classifications of pathogenicity. Review status: criteria provided, conflicting classifications (1 of 4 stars). 3 submissions from 3 submitters: Uncertain significance (2); Benign (1). Last evaluated 2025-04-10.

Conditions:
Hereditary cancer-predisposing syndrome. Also called: Neoplastic Syndromes, Hereditary; Tumor predisposition; Hereditary Cancer Syndrome; Hereditary neoplastic syndrome. Identifiers: Orphanet 140162, MedGen C0027672, MeSH D009386, MONDO:0015356.
Basal cell carcinoma, susceptibility to, 1. Also called: BCC1. Identifiers: MedGen C2751544, MONDO:0011556, OMIM 605462.
Gorlin syndrome. Also called: Nevoid Basal Cell Carcinoma Syndrome; Basal cell nevus syndrome. Identifiers: Orphanet 377, MedGen C0004779, MONDO:0007187.

Submissions (3):

Ambry Genetics
Classification: Uncertain significance for Hereditary cancer-predisposing syndrome. Last evaluated: 2025-04-10. Review status: criteria provided, single submitter. Criteria: Ambry Variant Classification Scheme 2023. Collection method: clinical testing. Allele origin: germline.
Comment: The p.H1252Y variant (also known as c.3754C>T), located in coding exon 22 of the PTCH1 gene, results from a C to T substitution at nucleotide position 3754. The histidine at codon 1252 is replaced by tyrosine, an amino acid with similar properties. This amino acid position is not well conserved in available vertebrate species. In addition, the in silico prediction for this alteration is inconclusive. Based on the available evidence, the clinical significance of this variant remains unclear.

Baylor Genetics
Classification: Uncertain significance for Basal cell carcinoma, susceptibility to, 1. Last evaluated: 2023-08-15. Review status: criteria provided, single submitter. Criteria: ACMG Guidelines, 2015. Collection method: clinical testing. Allele origin: unknown.

Labcorp Genetics (formerly Invitae), Labcorp
Classification: Benign for Gorlin syndrome. Last evaluated: 2023-05-11. Review status: criteria provided, single submitter. Criteria: Invitae Variant Classification Sherloc (09022015). Collection method: clinical testing. Allele origin: germline.